The following is an entry in ClinVar:

ClinVar aggregate classification (germline): Pathogenic (1 of 4 stars; one submission).

Submission:

GeneDx
Classification: Pathogenic. Last evaluated: 2018-12-19. Review status: criteria provided, single submitter. Criteria: GeneDx Variant Classification (06012015). Collection method: clinical testing. Allele origin: germline. Affected: yes.
Comment: The c.1470_1471delTC variant in the KMT2A gene has not been reported previously as a pathogenic variant nor as a benign variant, to our knowledge. The c.1470_1471delTC variant causes a frameshift starting with codon Glutamine 491, changes this amino acid to a Glycine residue, and creates a premature Stop codon at position 3 of the new reading frame, denoted p.Gln491GlyfsX3. This variant is predicted to cause loss of normal protein function either through protein truncation or nonsense-mediated mRNA decay. The c.1470_1471delTC variant is not observed in large population cohorts (Lek et al., 2016). We interpret c.1470_1471delTC as a pathogenic variant.

NM_001197104.2(KMT2A):c.1470_1471del (p.Gln491fs)

Gene: KMT2A (lysine methyltransferase 2A; plus strand). Cytogenetic location: 11q23.3.
Variant type: Microsatellite.
Coding change: c.1470_1471del on transcript NM_001197104.2 (MANE Select); coding-DNA positions 1470 to 1471, 2 bases deleted (TC; older notation c.1470_1471delTC).
Protein change: p.Gln491fs; shifts the reading frame from glutamine 491.
Molecular consequence: frameshift variant.
Genome position (GRCh38, 1-based): chr11:118,472,629-118,472,630, TC deleted; deleting any 2 consecutive bases within chr11:118,472,626-118,472,630 gives the same sequence; the c. name uses the placement nearest the transcript's 3' end. VCF-style (leftmost placement, unchanged base first): chr11-118472625-ACT-A. GRCh37 (hg19) VCF-style: chr11-118343340-ACT-A.
Other names: c.1470_1471del, p.Gln491fs (NM_005933.4); short protein forms Q491fs.
Identifiers: ClinVar variation 817896 (VCV000817896.1), dbSNP rs1591374532, ClinGen allele CA915947810.